The following is an entry in ClinVar:

ClinVar aggregate classification (germline): Conflicting classifications of pathogenicity. Review status: criteria provided, conflicting classifications (1 of 4 stars). 10 submissions from 10 submitters: Uncertain significance (5); Likely benign (5). Last evaluated 2026-01-31.

Conditions:
Inborn genetic diseases. Identifiers: MedGen C0950123, MeSH D030342.
Kufor-Rakeb syndrome (KRS). Also called: PARKINSON DISEASE 9, AUTOSOMAL RECESSIVE, JUVENILE-ONSET. Identifiers: Orphanet 306674, Orphanet 314632, MedGen C1847640, MONDO:0011706, OMIM 606693.
Autosomal recessive spastic paraplegia type 78. Identifiers: Orphanet 513436, MedGen C5567893, MONDO:0014975, OMIM 617225.
ATP13A2-related disorder. Also called: ATP13A2-related disorders; ATP13A2-related condition.

Allele frequency attached by ClinVar (database versions not stated): ESP Exome Variant Server 0.00008; ExAC 0.00020; gnomAD 0.00021 and 0.00024; TOPMed 0.00023; gnomAD exomes 0.00025 and 0.00063.
gnomAD v4.1: 917 of 1,580,702 alleles (0.058%); highest among the groups gnomAD compares: Non-Finnish European, 0.075%; no homozygotes.

Submissions (10):

Labcorp Genetics (formerly Invitae), Labcorp
Classification: Likely benign for Kufor-Rakeb syndrome; Autosomal recessive spastic paraplegia type 78. Last evaluated: 2026-01-31. Review status: criteria provided, single submitter. Criteria: Invitae Variant Classification Sherloc (09022015). Collection method: clinical testing. Allele origin: germline.

CeGaT Center for Human Genetics Tuebingen
Classification: Uncertain significance. Last evaluated: 2025-11-01. Review status: criteria provided, single submitter. Criteria: CeGaT Center For Human Genetics Tuebingen Variant Classification Criteria Version 2. Collection method: clinical testing. Allele origin: germline. Affected: yes. Observed: 1 variant allele.
Comment: ATP13A2: PM2:Supporting, PP3

Women's Health and Genetics/Laboratory Corporation of America, LabCorp
Classification: Likely benign. Last evaluated: 2025-10-09. Review status: criteria provided, single submitter. Criteria: LabCorp Variant Classification Summary - May 2015. Collection method: clinical testing. Allele origin: germline.
Comment: Variant summary: ATP13A2 c.3429C>T alters a non-conserved nucleotide resulting in a synonymous change. Consensus agreement among computation tools predict no significant impact on normal splicing. However, these predictions have yet to be confirmed by functional studies. The variant allele was found at a frequency of 0.00025 in 186120 control chromosomes. This frequency is not significantly higher than estimated for disease-causing variants in ATP13A2, allowing no conclusion about variant significance. To our knowledge, no occurrence of c.3429C>T in individuals affected with ATP13A2-related conditions and no experimental evidence demonstrating its impact on protein function have been reported. ClinVar contains an entry for this variant (Variation ID: 293765). Based on the evidence outlined above, the variant was classified as likely benign.

Laboratory of Genetics, Children's Clinical University Hospital Latvia
Classification: Likely benign. Last evaluated: 2025-02-16. Review status: criteria provided, single submitter. Criteria: ACMG Guidelines, 2015. Collection method: clinical testing. Allele origin: germline. Affected: yes.

Blueprint Genetics
Classification: Uncertain significance. Last evaluated: 2024-11-15. Review status: criteria provided, single submitter. Criteria: ACMG Guidelines, 2015. Collection method: clinical testing. Allele origin: germline.

PreventionGenetics, part of Exact Sciences
Classification: Uncertain significance for ATP13A2-related condition. Last evaluated: 2023-01-17. Review status: criteria provided, single submitter. Criteria: ACMG Guidelines, 2015. Collection method: clinical testing. Allele origin: germline.
Comment: The ATP13A2 c.3127C>T variant is predicted to result in the amino acid substitution p.Arg1043Cys. To our knowledge, this variant has not been reported in the literature. This variant is reported in 0.054% of alleles in individuals of European (Non-Finnish) descent in gnomAD. Although we suspect that this variant may be benign, at this time, the clinical significance of this variant is uncertain due to the absence of conclusive functional and genetic evidence.

Ambry Genetics
Classification: Likely benign for Inborn genetic diseases. Last evaluated: 2021-03-25. Review status: criteria provided, single submitter. Criteria: Ambry Variant Classification Scheme 2023. Collection method: clinical testing. Allele origin: germline.

GeneDx
Classification: Likely benign. Last evaluated: 2021-02-18. Review status: criteria provided, single submitter. Criteria: GeneDx Variant Classification Process June 2021. Collection method: clinical testing. Allele origin: germline. Affected: yes.

Department of Pathology and Laboratory Medicine, Sinai Health System
Classification: Uncertain significance for Kufor-Rakeb syndrome. Last evaluated: 2020-08-06. Review status: criteria provided, single submitter. Criteria: ACMG Guidelines, 2015. Collection method: research. Allele origin: germline.

Illumina Laboratory Services, Illumina
Classification: Uncertain significance for Kufor-Rakeb syndrome. Last evaluated: 2018-01-12. Review status: criteria provided, single submitter. Criteria: ICSL Variant Classification Criteria 13 December 2019. Collection method: clinical testing. Allele origin: germline.

NM_022089.4(ATP13A2):c.3429C>T (p.Pro1143=)

Gene: ATP13A2 (ATPase cation transporting 13A2; minus strand). Cytogenetic location: 1p36.13.
Variant type: single nucleotide variant.
Coding change: c.3429C>T on transcript NM_022089.4 (MANE Select); coding-DNA position 3429, C replaced by T.
Protein change: p.Pro1143=; no amino-acid change (proline 1143 retained).
Molecular consequence: synonymous variant. On other transcripts: missense variant (1).
Genome position (GRCh38, 1-based): chr1:16,986,335, G>A on the plus strand (C>T on the coding strand, the complement: ATP13A2 is on the minus strand). VCF-style: chr1-16986335-G-A. GRCh37 (hg19) VCF-style: chr1-17312830-G-A.
Other names: c.3414C>T, p.Pro1138= (NM_001141973.3); c.3127C>T, p.Arg1043Cys (NM_001141974.3); c.3127C>T (NM_001141974.2); short protein forms R1043C.
Identifiers: ClinVar variation 293765 (VCV000293765.29), dbSNP rs377703085, ClinGen allele CA636486.